The following is an entry in ClinVar:

ClinVar aggregate classification (germline): Benign/Likely benign. Review status: criteria provided, multiple submitters, no conflicts (2 of 4 stars). 5 submissions from 5 submitters: Benign (2); Likely benign (2). 1 of the submissions does not count toward it. Last evaluated 2026-01-22.

Conditions:
2-aminoadipic 2-oxoadipic aciduria (AAKAD). Also called: Aminoadipic aciduria; ALPHA-AMINOADIPIC AND ALPHA-KETOADIPIC ACIDURIA. Identifiers: Orphanet 79154, MedGen C1859817, MONDO:0008774, OMIM 204750.
DHTKD1-related disorder. Also called: DHTKD1-related condition.

Allele frequency attached by ClinVar (database versions not stated): gnomAD exomes 0.00059 and 0.00289; gnomAD 0.00076 and 0.00080; TOPMed 0.00145; ExAC 0.00261; ESP Exome Variant Server 0.00031; 1000 Genomes Project 0.00040; 1000 Genomes Project 30x 0.00047.
gnomAD v4.1: 975 of 1,614,216 alleles (0.06%); highest among the groups gnomAD compares: Admixed American, 1.4%; 5 homozygotes.

Submissions (5):

Labcorp Genetics (formerly Invitae), Labcorp
Classification: Benign for 2-aminoadipic 2-oxoadipic aciduria. Last evaluated: 2026-01-22. Review status: criteria provided, single submitter. Criteria: Invitae Variant Classification Sherloc (09022015). Collection method: clinical testing. Allele origin: germline.

CeGaT Center for Human Genetics Tuebingen
Classification: Likely benign. Last evaluated: 2025-11-01. Review status: criteria provided, single submitter. Criteria: CeGaT Center For Human Genetics Tuebingen Variant Classification Criteria Version 2. Collection method: clinical testing. Allele origin: germline. Affected: yes. Observed: 1 variant allele.
Comment: DHTKD1: BP4, BS1

ARUP Laboratories, Molecular Genetics and Genomics, ARUP Laboratories
Classification: Benign. Last evaluated: 2024-10-02. Review status: criteria provided, single submitter. Criteria: ARUP Molecular Germline Variant Investigation Process 2024. Collection method: clinical testing. Allele origin: germline.

Center for Pediatric Genomic Medicine, Children's Mercy Hospital and Clinics
Classification: Likely benign. Last evaluated: 2017-03-06. Review status: criteria provided, single submitter. Criteria: ACMG Guidelines, 2015. Collection method: clinical testing. Allele origin: germline.

PreventionGenetics, part of Exact Sciences
Classification: Benign for DHTKD1-related condition. Last evaluated: 2019-05-10. Review status: no assertion criteria provided. Collection method: clinical testing. Allele origin: germline. Not counted in ClinVar's aggregate classification.
Comment: This variant is classified as benign based on ACMG/AMP sequence variant interpretation guidelines (Richards et al. 2015 PMID: 25741868, with internal and published modifications).

NM_018706.7(DHTKD1):c.1550C>T (p.Ala517Val)

Gene: DHTKD1 (dehydrogenase E1 and transketolase domain containing 1; plus strand). Cytogenetic location: 10p14.
Variant type: single nucleotide variant.
Coding change: c.1550C>T on transcript NM_018706.7 (MANE Select); coding-DNA position 1550, C replaced by T.
Protein change: p.Ala517Val; replaces alanine 517 with valine.
Molecular consequence: missense variant.
Genome position (GRCh38, 1-based): chr10:12,097,875, C>T. VCF-style: chr10-12097875-C-T. GRCh37 (hg19) VCF-style: chr10-12139874-C-T.
Other names: short protein forms A517V.
Identifiers: ClinVar variation 445842 (VCV000445842.32), dbSNP rs142006153, ClinGen allele CA5407882.